The following is an entry in ClinVar:

ClinVar aggregate classification (germline): Uncertain significance. Review status: criteria provided, multiple submitters, no conflicts (2 of 4 stars). 2 submissions from 2 submitters: Uncertain significance (2). Last evaluated 2024-12-09.

Conditions:
Inborn genetic diseases. Identifiers: MedGen C0950123, MeSH D030342.

Allele frequency attached by ClinVar (database versions not stated): gnomAD 0.00001.
gnomAD v4.1: 95 of 1,602,462 alleles (0.0059%); highest among the groups gnomAD compares: Non-Finnish European, 0.0073%; no homozygotes.

Submissions (2):

Labcorp Genetics (formerly Invitae), Labcorp
Classification: Uncertain significance. Last evaluated: 2024-12-09. Review status: criteria provided, single submitter. Criteria: Invitae Variant Classification Sherloc (09022015). Collection method: clinical testing. Allele origin: germline.
Comment: This sequence change replaces valine, which is neutral and non-polar, with methionine, which is neutral and non-polar, at codon 871 of the MYO5B protein (p.Val871Met). This variant is present in population databases (rs200084356, gnomAD 0.01%). This variant has not been reported in the literature in individuals affected with MYO5B-related conditions. ClinVar contains an entry for this variant (Variation ID: 1382100). Invitae Evidence Modeling of protein sequence and biophysical properties (such as structural, functional, and spatial information, amino acid conservation, physicochemical variation, residue mobility, and thermodynamic stability) indicates that this missense variant is not expected to disrupt MYO5B protein function with a negative predictive value of 80%. In summary, the available evidence is currently insufficient to determine the role of this variant in disease. Therefore, it has been classified as a Variant of Uncertain Significance.

Ambry Genetics
Classification: Uncertain significance for Inborn genetic diseases. Last evaluated: 2023-10-17. Review status: criteria provided, single submitter. Criteria: Ambry Variant Classification Scheme 2023. Collection method: clinical testing. Allele origin: germline.

NM_001080467.3(MYO5B):c.2611G>A (p.Val871Met)

Gene: MYO5B (myosin VB; minus strand). Cytogenetic location: 18q21.1.
Variant type: single nucleotide variant.
Coding change: c.2611G>A on transcript NM_001080467.3 (MANE Select); coding-DNA position 2611, G replaced by A.
Protein change: p.Val871Met; replaces valine 871 with methionine.
Molecular consequence: missense variant.
Genome position (GRCh38, 1-based): chr18:49,902,794, C>T on the plus strand (G>A on the coding strand, the complement: MYO5B is on the minus strand). VCF-style: chr18-49902794-C-T. GRCh37 (hg19) VCF-style: chr18-47429164-C-T.
Other names: c.2611G>A (NM_001080467.2); short protein forms V871M.
Identifiers: ClinVar variation 1382100 (VCV001382100.8), dbSNP rs200084356, ClinGen allele CA8960995.